The following is an entry in ClinVar:

NM_000384.3(APOB):c.9063T>G (p.His3021Gln)

Gene: APOB (apolipoprotein B; minus strand). Cytogenetic location: 2p24.1.
Variant type: single nucleotide variant.
Coding change: c.9063T>G on transcript NM_000384.3 (MANE Select); coding-DNA position 9063, T replaced by G.
Protein change: p.His3021Gln; replaces histidine 3021 with glutamine.
Molecular consequence: missense variant.
Genome position (GRCh38, 1-based): chr2:21,007,805, A>C on the plus strand (T>G on the coding strand, the complement: APOB is on the minus strand). VCF-style: chr2-21007805-A-C. GRCh37 (hg19) VCF-style: chr2-21230677-A-C.
Other names: short protein forms H3021Q.
Identifiers: ClinVar variation 3903368 (VCV003903368.1).

ClinVar aggregate classification (germline): Uncertain significance (1 of 4 stars; one submission).

Submission:

GeneDx
Classification: Uncertain significance. Last evaluated: 2024-12-09. Review status: criteria provided, single submitter. Criteria: GeneDx Variant Classification Process June 2021. Collection method: clinical testing. Allele origin: germline. Affected: yes.
Comment: Not observed at significant frequency in large population cohorts (gnomAD); In silico analysis supports that this missense variant has a deleterious effect on protein structure/function; Has not been previously published as pathogenic or benign to our knowledge